The following is an entry in ClinVar:

ClinVar aggregate classification (germline): Uncertain significance. Review status: criteria provided, multiple submitters, no conflicts (2 of 4 stars). 4 submissions from 4 submitters: Uncertain significance (4). Last evaluated 2022-08-16.

Conditions:
Autosomal dominant limb-girdle muscular dystrophy type 1D (DNAJB6) (LGMDD1). Also called: MUSCULAR DYSTROPHY, LIMB-GIRDLE, TYPE 1D; MUSCULAR DYSTROPHY, AUTOSOMAL DOMINANT, WITH RIMMED VACUOLES; Autosomal dominant limb-girdle muscular dystrophy type 1D; Muscular dystrophy, limb-girdle, autosomal dominant 1. Identifiers: Orphanet 34516, MedGen C4721885, MONDO:0021018, OMIM 603511.

Submissions (4):

Labcorp Genetics (formerly Invitae), Labcorp
Classification: Uncertain significance for Autosomal dominant limb-girdle muscular dystrophy type 1D (DNAJB6). Last evaluated: 2022-08-16. Review status: criteria provided, single submitter. Criteria: Invitae Variant Classification Sherloc (09022015). Collection method: clinical testing. Allele origin: germline.
Comment: In summary, the available evidence is currently insufficient to determine the role of this variant in disease. Therefore, it has been classified as a Variant of Uncertain Significance. Algorithms developed to predict the effect of missense changes on protein structure and function are either unavailable or do not agree on the potential impact of this missense change (SIFT: "Deleterious"; PolyPhen-2: "Possibly Damaging"; Align-GVGD: "Class C0"). ClinVar contains an entry for this variant (Variation ID: 282541). This missense change has been observed in individual(s) with clinical features of limb-girdle muscular dystrophy (PMID: 30564623). This variant is not present in population databases (gnomAD no frequency). This sequence change replaces glycine, which is neutral and non-polar, with valine, which is neutral and non-polar, at codon 77 of the DNAJB6 protein (p.Gly77Val).

Revvity Omics, Revvity
Classification: Uncertain significance for Autosomal dominant limb-girdle muscular dystrophy type 1D (DNAJB6). Last evaluated: 2019-12-09. Review status: criteria provided, single submitter. Criteria: ACMG Guidelines, 2015. Collection method: clinical testing. Allele origin: germline.

Eurofins Ntd Llc (ga)
Classification: Uncertain significance. Last evaluated: 2015-08-14. Review status: criteria provided, single submitter. Criteria: EGL Classification Definitions 2015. Collection method: clinical testing. Allele origin: germline. Observed: 1 variant allele, 1 heterozygote.

Breakthrough Genomics
Classification: Uncertain significance. Review status: criteria provided, single submitter. Criteria: ACMG Guidelines, 2015. Collection method: not provided. Allele origin: germline. Inheritance: Autosomal recessive inheritance. Affected: yes.

Literature cited by the submitters: PubMed 30564623 (cited by Labcorp Genetics (formerly Invitae), Labcorp).

NM_058246.4(DNAJB6):c.230G>T (p.Gly77Val)

Gene: DNAJB6 (DnaJ heat shock protein family (Hsp40) member B6; plus strand). Cytogenetic location: 7q36.3.
Variant type: single nucleotide variant.
Coding change: c.230G>T on transcript NM_058246.4 (MANE Select); coding-DNA position 230, G replaced by T.
Protein change: p.Gly77Val; replaces glycine 77 with valine.
Molecular consequence: missense variant.
Genome position (GRCh38, 1-based): chr7:157,366,556, G>T. VCF-style: chr7-157366556-G-T. GRCh37 (hg19) VCF-style: chr7-157159250-G-T.
Other names: c.230G>T, p.Gly77Val (NM_001363676.1, NM_005494.3); short protein forms G77V.
Identifiers: ClinVar variation 282541 (VCV000282541.16), dbSNP rs372973038, ClinGen allele CA10604213.